The following is an entry in ClinVar:

NM_198253.3(TERT):c.910C>T (p.His304Tyr)

Gene: TERT (telomerase reverse transcriptase; minus strand). Cytogenetic location: 5p15.33.
Variant type: single nucleotide variant.
Coding change: c.910C>T on transcript NM_198253.3 (MANE Select); coding-DNA position 910, C replaced by T.
Protein change: p.His304Tyr; replaces histidine 304 with tyrosine.
Molecular consequence: missense variant. On other transcripts: non-coding transcript variant (2).
Genome position (GRCh38, 1-based): chr5:1,293,976, G>A on the plus strand (C>T on the coding strand, the complement: TERT is on the minus strand). VCF-style: chr5-1293976-G-A. GRCh37 (hg19) VCF-style: chr5-1294091-G-A.
Other names: c.910C>T, p.His304Tyr (NM_001193376.3); short protein forms H304Y.
Identifiers: ClinVar variation 4843983 (VCV004843983.1).

ClinVar aggregate classification (germline): Uncertain significance (1 of 4 stars; one submission).

Conditions:
Dyskeratosis congenita. Identifiers: Orphanet 1775, MedGen C0265965, MONDO:0015780.

Submission:

Ambry Genetics
Classification: Uncertain significance for Dyskeratosis congenita. Last evaluated: 2025-12-22. Review status: criteria provided, single submitter. Criteria: Ambry Variant Classification Scheme 2023. Collection method: clinical testing. Allele origin: germline.
Comment: The p.H304Y variant (also known as c.910C>T), located in coding exon 2 of the TERT gene, results from a C to T substitution at nucleotide position 910. The histidine at codon 304 is replaced by tyrosine, an amino acid with similar properties. This amino acid position is conserved. In addition, this alteration is predicted to be tolerated by in silico analysis. Based on the available evidence, the clinical significance of this variant remains unclear.